The following is an entry in ClinVar:

NM_019098.5(CNGB3):c.1778T>G (p.Ile593Ser)

Gene: CNGB3 (cyclic nucleotide gated channel subunit beta 3; minus strand). Cytogenetic location: 8q21.3.
Variant type: single nucleotide variant.
Coding change: c.1778T>G on transcript NM_019098.5 (MANE Select); coding-DNA position 1778, T replaced by G.
Protein change: p.Ile593Ser; replaces isoleucine 593 with serine.
Molecular consequence: missense variant.
Genome position (GRCh38, 1-based): chr8:86,604,096, A>C on the plus strand (T>G on the coding strand, the complement: CNGB3 is on the minus strand). VCF-style: chr8-86604096-A-C. GRCh37 (hg19) VCF-style: chr8-87616324-A-C.
Other names: short protein forms I593S.
Identifiers: ClinVar variation 1057749 (VCV001057749.6), dbSNP rs780344162, ClinGen allele CA4799907.
Genomic context (GRCh38, chr8:86,604,096, plus strand): 5'-ACTTTTCTTTTATGACAAATGATGGACTTCAATATTTATGAAGTATCTTTCAGATACCTG[A>C]TTTCTCCAAACACCGACCCAGCTTTCAGAGTAACCAGAACTTTAGTACCATCAGGGCCTC-3'
Protein context (NP_061971.3, residues 583-603): TLKAGSVFGE[Ile593Ser]SLLAAGGGNR

ClinVar aggregate classification (germline): Uncertain significance. Review status: criteria provided, multiple submitters, no conflicts (2 of 4 stars). 5 submissions from 5 submitters: Uncertain significance (3). 2 of the submissions do not count toward it. Last evaluated 2025-09-30.

Conditions:
Achromatopsia 3 (ACHM3). Also called: ACHROMATOPSIA WITH MYOPIA; ROD MONOCHROMACY 1; ROD MONOCHROMATISM 1; PINGELAPESE BLINDNESS; TOTAL COLORBLINDNESS WITH MYOPIA. Identifiers: Orphanet 49382, MedGen C1849792, MONDO:0009875, OMIM 262300.
Retinal dystrophy. Also called: Inherited retinal dystrophy. Identifiers: Orphanet 71862, MedGen C0854723, MeSH D058499, MONDO:0019118, HP:0000556.
Achromatopsia. Also called: Rod monochromatism. Identifiers: Orphanet 49382, MedGen C0152200, MONDO:0018852, HP:0011516.

Allele frequency attached by ClinVar (database versions not stated): ExAC 0.00001; gnomAD 0.00001; gnomAD exomes 0.00001; TOPMed 0.00001.
gnomAD v4.1: 13 of 1,602,362 alleles (0.00081%); highest among the groups gnomAD compares: African/African-American, 0.0013%; no homozygotes.

Submissions (5):

Myriad Genetics, Inc.
Classification: Uncertain significance for Achromatopsia 3. Last evaluated: 2025-09-30. Review status: criteria provided, single submitter. Criteria: Myriad Autosomal Dominant, Autosomal Recessive and X-Linked Classification Criteria (2023). Collection method: clinical testing. Allele origin: unknown.
Comment: NM_019098.4(CNGB3):c.1778T>G(I593S) is a missense variant classified as a variant of uncertain significance in the context of achromatopsia, CNGB3-related. I593S has not been observed in cases with relevant disease. Relevant functional assessments of this variant are available in the literature (PMID: 40304364). I593S has been observed in referenced population frequency databases. In summary, there is insufficient evidence to classify NM_019098.4(CNGB3):c.1778T>G(I593S) as pathogenic or benign. Please note: this variant was assessed in the context of healthy population screening.

Labcorp Genetics (formerly Invitae), Labcorp
Classification: Uncertain significance. Last evaluated: 2022-07-19. Review status: criteria provided, single submitter. Criteria: Invitae Variant Classification Sherloc (09022015). Collection method: clinical testing. Allele origin: germline.
Comment: This sequence change replaces isoleucine, which is neutral and non-polar, with serine, which is neutral and polar, at codon 593 of the CNGB3 protein (p.Ile593Ser). This variant is present in population databases (rs780344162, gnomAD 0.0009%). This variant has not been reported in the literature in individuals affected with CNGB3-related conditions. ClinVar contains an entry for this variant (Variation ID: 1057749). Advanced modeling of protein sequence and biophysical properties (such as structural, functional, and spatial information, amino acid conservation, physicochemical variation, residue mobility, and thermodynamic stability) performed at Invitae indicates that this missense variant is expected to disrupt CNGB3 protein function. Algorithms developed to predict the effect of sequence changes on RNA splicing suggest that this variant may disrupt the consensus splice site. In summary, the available evidence is currently insufficient to determine the role of this variant in disease. Therefore, it has been classified as a Variant of Uncertain Significance.

Blueprint Genetics
Classification: Uncertain significance. Last evaluated: 2019-07-29. Review status: criteria provided, single submitter. Criteria: ACMG Guidelines, 2015. Collection method: clinical testing. Allele origin: germline.

Natera, Inc.
Classification: Uncertain significance for Achromatopsia. Last evaluated: 2020-11-24. Review status: no assertion criteria provided. Collection method: clinical testing. Allele origin: germline. Not counted in ClinVar's aggregate classification.

Institute of Human Genetics, Univ. Regensburg, Univ. Regensburg
Classification: Uncertain significance for Retinal dystrophy. Last evaluated: 2011-01-01. Review status: no assertion criteria provided. Criteria: ACMG Guidelines, 2015. Collection method: clinical testing. Allele origin: germline. Affected: yes. Not counted in ClinVar's aggregate classification.

Literature cited by the submitters: PubMed 40304364 (cited by Myriad Genetics, Inc.).